The following is an entry in ClinVar:

ClinVar aggregate classification (germline): Pathogenic. Review status: reviewed by expert panel (3 of 4 stars). 9 submissions from 9 submitters: Pathogenic (1). 8 of the submissions do not count toward it. Last evaluated 2016-09-08.

Conditions:
Ovarian neoplasm. Also called: Ovarian Neoplasms; Neoplasm of ovary; Ovarian tumor. Identifiers: MedGen C0919267, MeSH D010051, MONDO:0021068, HP:0100615.
Hereditary breast ovarian cancer syndrome. Also called: BRCA1- and BRCA2-Associated Hereditary Breast and Ovarian Cancer; Hereditary breast and ovarian cancer syndrome; Hereditary breast and ovarian cancer syndrome (HBOC); Breast and ovarian cancer; Hereditary breast and/or ovarian cancer syndrome; Hereditary breast and ovarian cancer. Identifiers: Orphanet 145, MedGen C0677776, MeSH D061325, MONDO:0003582. Disease mechanism: loss of function.
Breast-ovarian cancer, familial, susceptibility to, 1 (BROVCA1). Also called: BRCA1 Hereditary Breast and Ovarian Cancer; OVARIAN CANCER, SUSCEPTIBILITY TO. Identifiers: Orphanet 145, MedGen C2676676, MONDO:0011450, OMIM 604370. Disease mechanism: loss of function.
Hereditary cancer-predisposing syndrome. Also called: Hereditary Cancer Syndrome; Hereditary neoplastic syndrome; Neoplastic Syndromes, Hereditary; Tumor predisposition. Identifiers: Orphanet 140162, MedGen C0027672, MeSH D009386, MONDO:0015356.

Submissions (9):

Evidence-based Network for the Interpretation of Germline Mutant Alleles (ENIGMA)
Classification: Pathogenic for Breast-ovarian cancer, familial, susceptibility to, 1. Last evaluated: 2016-09-08. Review status: reviewed by expert panel. Criteria: ENIGMA BRCA1/2 Classification Criteria (2015). Collection method: curation. Allele origin: germline.
Comment: Variant allele predicted to encode a truncated non-functional protein.

GeneDx
Classification: Pathogenic. Last evaluated: 2023-10-26. Review status: criteria provided, single submitter. Criteria: GeneDx Variant Classification Process June 2021. Collection method: clinical testing. Allele origin: germline. Affected: yes. Not counted in ClinVar's aggregate classification.
Comment: Frameshift variant predicted to result in protein truncation or nonsense mediated decay in a gene for which loss-of-function is a known mechanism of disease; Observed in individuals with personal and family history consistent with pathogenic variants in this gene (PMID: 10486320, 16287141, 23569316); Not observed in large population cohorts (gnomAD); Truncating variants in this gene are considered pathogenic by a well-established clinical consortium and/or database; Also known as 5064delA; This variant is associated with the following publications: (PMID: 10486320, 16287141, 23569316)

Ambry Genetics
Classification: Pathogenic for Hereditary cancer-predisposing syndrome. Last evaluated: 2023-03-03. Review status: criteria provided, single submitter. Criteria: Ambry Variant Classification Scheme 2023. Collection method: clinical testing. Allele origin: germline. Not counted in ClinVar's aggregate classification.
Comment: The c.4945delA pathogenic mutation, located in coding exon 14 of the BRCA1 gene, results from a deletion of one nucleotide at nucleotide position 4945, causing a translational frameshift with a predicted alternate stop codon (p.R1649Efs*9). This alteration has been identified in multiple individuals diagnosed with hereditary breast and/or ovarian cancer syndrome (HBOC) (Gayther SA et al. Am J Hum Genet, 1999 Oct;65:1021-9; Kroiss R et al. Hum Mutat, 2005 Dec;26:583-9; Ramus SJ et al. Hum Mutat, 2007 Dec;28:1207-15). Of note, this alteration is also known as 5061delA in published literature. This variant is considered to be rare based on population cohorts in the Genome Aggregation Database (gnomAD). In addition to the clinical data presented in the literature, this alteration is expected to result in loss of function by premature protein truncation or nonsense-mediated mRNA decay. As such, this alteration is interpreted as a disease-causing mutation.

Color Diagnostics, LLC DBA Color Health
Classification: Pathogenic for Hereditary cancer-predisposing syndrome. Last evaluated: 2021-01-21. Review status: criteria provided, single submitter. Criteria: ACMG Guidelines, 2015. Collection method: clinical testing. Allele origin: germline. Not counted in ClinVar's aggregate classification.
Comment: This variant deletes 1 nucleotide in exon 15 of the BRCA1 gene, creating a frameshift and premature translation stop signal. This variant is expected to result in an absent or non-functional protein product. This variant has been reported in an individual affected with prostate cancer and suspected hereditary breast and ovarian cancer families (PMID: 10486320, 23569316, 29446198, 31209999). This variant has not been identified in the general population by the Genome Aggregation Database (gnomAD). Loss of BRCA1 function is a known mechanism of disease. Based on the available evidence, this variant is classified as Pathogenic.

GeneKor MSA
Classification: Pathogenic. Last evaluated: 2020-01-01. Review status: criteria provided, single submitter. Criteria: ACMG Guidelines, 2015. Collection method: clinical testing. Allele origin: germline. Not counted in ClinVar's aggregate classification.
Comment: This sequence change deletes one nucleotide from exon 15 of the BRCA1 mRNA (c.4945delA), causing a frameshift after codon 1649 and the creation of a premature translation stop signal 9 amino acid residues later p.(Arg1649Glufs*9). This is expected to result in an absent or disrupted protein product. Truncating variants in BRCA1 are known to be pathogenic. The mutation database ClinVar contains entries for this variant (Variation ID: 55328).

Consortium of Investigators of Modifiers of BRCA1/2 (CIMBA), c/o University of Cambridge
Classification: Pathogenic for Breast-ovarian cancer, familial, susceptibility to, 1. Last evaluated: 2015-10-02. Review status: criteria provided, single submitter. Criteria: CIMBA Mutation Classification guidelines May 2016. Collection method: clinical testing. Allele origin: germline. Not counted in ClinVar's aggregate classification.

German Consortium for Hereditary Breast and Ovarian Cancer, University Hospital Cologne
Classification: Pathogenic for Ovarian neoplasm. Last evaluated: 2018-12-01. Review status: no assertion criteria provided. Collection method: research. Allele origin: somatic. Affected: yes. Not counted in ClinVar's aggregate classification.

Research Molecular Genetics Laboratory, Women's College Hospital, University of Toronto
Classification: Pathogenic for Hereditary breast ovarian cancer syndrome. Last evaluated: 2014-01-31. Review status: no assertion criteria provided. Collection method: research. Allele origin: germline. Affected: yes. Study: The Canadian Open Genetics Repository (COGR). Not counted in ClinVar's aggregate classification.

Breast Cancer Information Core (BIC) (BRCA1)
Classification: Pathogenic for Breast-ovarian cancer, familial 1. Last evaluated: 1999-06-21. Review status: no assertion criteria provided. Collection method: clinical testing. Allele origin: germline. Affected: yes. Observed: 1 variant allele. Not counted in ClinVar's aggregate classification.

Literature cited by the submitters: PubMed 10486320 (cited by Ambry Genetics); PubMed 16287141 (cited by Ambry Genetics); PubMed 17688236 (cited by Ambry Genetics).

NM_007294.4(BRCA1):c.4945del (p.Arg1649fs)

Gene: BRCA1 (BRCA1 DNA repair associated; minus strand). Cytogenetic location: 17q21.31.
Variant type: Deletion.
Coding change: c.4945del on transcript NM_007294.4 (MANE Select); coding-DNA position 4945, one base deleted (A; older notation c.4945delA).
Protein change: p.Arg1649fs; shifts the reading frame from arginine 1649.
Molecular consequence: frameshift variant. On other transcripts: non-coding transcript variant (1).
Genome position (GRCh38, 1-based): chr17:43,070,969, T deleted on the plus strand (A on the coding strand, the reverse complement: BRCA1 is on the minus strand); the first of 4 consecutive T bases (chr17:43,070,969-43,070,972); deleting any one gives the same sequence. VCF-style (leftmost placement, unchanged base first): chr17-43070968-CT-C. GRCh37 (hg19) VCF-style: chr17-41222985-CT-C.
Other names: 5061delA; c.4945delA (NM_007294.3); c.4729delA, p.Arg1578Glufs (NM_001407571.1, NM_001407894.1, NM_001407895.1 and 12 more transcripts); c.5008delA, p.Arg1671Glufs (NM_001407581.1, NM_001407582.1); c.5005delA, p.Arg1670Glufs (NM_001407583.1, NM_001407585.1, NM_001407587.1); c.5002delA, p.Arg1669Glufs (NM_001407590.1, NM_001407591.1); c.4942delA, p.Arg1649Glufs (NM_001407593.1, NM_001407594.1, NM_001407596.1 and 8 more transcripts); c.4939delA, p.Arg1648Glufs (NM_001407610.1, NM_001407611.1, NM_001407612.1 and 17 more transcripts); and 75 more; short protein forms R1670fs, R545fs, R1602fs, R1649fs.
Identifiers: ClinVar variation 55328 (VCV000055328.12), dbSNP rs80357655, ClinGen allele CA003094.